The following is an entry in ClinVar:

ClinVar aggregate classification (germline): Uncertain significance. Review status: criteria provided, multiple submitters, no conflicts (2 of 4 stars). 3 submissions from 3 submitters: Uncertain significance (3). Last evaluated 2025-02-19.

Conditions:
Joubert syndrome 3 (JBTS3). Also called: AHI1-related Ciliopathy. Identifiers: Orphanet 220493, MedGen C1837713, MONDO:0012078, OMIM 608629.
Joubert syndrome. Also called: Familial aplasia of the vermis; CEREBELLOPARENCHYMAL DISORDER IV; JOUBERT-BOLTSHAUSER SYNDROME. Identifiers: Orphanet 475, MedGen C5979921, MONDO:0018772.

Allele frequency attached by ClinVar (database versions not stated): TOPMed below 0.00001; gnomAD exomes 0.00001.
gnomAD v4.1: 12 of 1,493,788 alleles (0.0008%); highest among the groups gnomAD compares: Non-Finnish European, 0.001%; no homozygotes.

Submissions (3):

Labcorp Genetics (formerly Invitae), Labcorp
Classification: Uncertain significance for Joubert syndrome. Last evaluated: 2025-02-19. Review status: criteria provided, single submitter. Criteria: Invitae Variant Classification Sherloc (09022015). Collection method: clinical testing. Allele origin: germline.
Comment: This sequence change falls in intron 17 of the AHI1 gene. It does not directly change the encoded amino acid sequence of the AHI1 protein. It affects a nucleotide within the consensus splice site. The frequency data for this variant in the population databases is considered unreliable, as metrics indicate poor data quality at this position in the gnomAD database. This variant has not been reported in the literature in individuals affected with AHI1-related conditions. ClinVar contains an entry for this variant (Variation ID: 939698). Variants that disrupt the consensus splice site are a relatively common cause of aberrant splicing (PMID: 17576681, 9536098). Algorithms developed to predict the effect of sequence changes on RNA splicing suggest that this variant may disrupt the consensus splice site. In summary, the available evidence is currently insufficient to determine the role of this variant in disease. Therefore, it has been classified as a Variant of Uncertain Significance.

GeneDx
Classification: Uncertain significance. Last evaluated: 2022-08-17. Review status: criteria provided, single submitter. Criteria: GeneDx Variant Classification Process June 2021. Collection method: clinical testing. Allele origin: germline. Affected: yes.
Comment: Not observed at significant frequency in large population cohorts (gnomAD); Has not been previously published as pathogenic or benign to our knowledge; In silico analysis suggests this variant may impact gene splicing. In the absence of RNA/functional studies, the actual effect of this sequence change is unknown.

Fulgent Genetics
Classification: Uncertain significance for Joubert syndrome 3. Last evaluated: 2022-03-09. Review status: criteria provided, single submitter. Criteria: ACMG Guidelines, 2015. Collection method: clinical testing. Allele origin: unknown.

Literature cited by the submitters: PubMed 17576681 (cited by Labcorp Genetics (formerly Invitae), Labcorp); PubMed 9536098 (cited by Labcorp Genetics (formerly Invitae), Labcorp).

NM_001134831.2(AHI1):c.2492+3A>G

Gene: AHI1 (Abelson helper integration site 1; minus strand). Cytogenetic location: 6q23.3.
Variant type: single nucleotide variant.
Coding change: c.2492+3A>G on transcript NM_001134831.2 (MANE Select); 3 bases into the intron after coding-DNA position 2492, A replaced by G.
Molecular consequence: intron variant.
Genome position (GRCh38, 1-based): chr6:135,429,879, T>C on the plus strand (A>G on the coding strand, the complement: AHI1 is on the minus strand). VCF-style: chr6-135429879-T-C. GRCh37 (hg19) VCF-style: chr6-135751017-T-C.
Other names: c.2492+3A>G (NM_001134830.2, NM_001350503.2, NM_017651.5 and 2 more transcripts).
Identifiers: ClinVar variation 939698 (VCV000939698.9), dbSNP rs951268770, ClinGen allele CA148119795.